The following is an entry in ClinVar:

ClinVar aggregate classification (germline): Conflicting classifications of pathogenicity. Review status: criteria provided, conflicting classifications (1 of 4 stars). 4 submissions from 4 submitters: Uncertain significance (1); Benign (1); Likely benign (1). 1 of the submissions does not count toward it. Last evaluated 2025-11-03.

Conditions:
Cone-rod dystrophy 15 (CORD15). Identifiers: MedGen C3150912, MONDO:0013348, OMIM 613660.
CDHR1-related disorder. Also called: CDHR1-related condition.

Allele frequency attached by ClinVar (database versions not stated): gnomAD 0.00026 and 0.00017; gnomAD exomes 0.00064; 1000 Genomes Project 0.00080; TOPMed 0.00028; ExAC 0.00037; 1000 Genomes Project 30x 0.00141.
gnomAD v4.1: 493 of 1,532,480 alleles (0.032%); highest among the groups gnomAD compares: East Asian, 1.1%; 4 homozygotes.

Submissions (4):

Labcorp Genetics (formerly Invitae), Labcorp
Classification: Benign. Last evaluated: 2025-11-03. Review status: criteria provided, single submitter. Criteria: Invitae Variant Classification Sherloc (09022015). Collection method: clinical testing. Allele origin: germline.

Blueprint Genetics
Classification: Likely benign. Last evaluated: 2024-01-18. Review status: criteria provided, single submitter. Criteria: ACMG Guidelines, 2015. Collection method: clinical testing. Allele origin: germline.

Illumina Laboratory Services, Illumina
Classification: Uncertain significance for Cone-rod dystrophy 15. Last evaluated: 2018-01-13. Review status: criteria provided, single submitter. Criteria: ICSL Variant Classification Criteria 13 December 2019. Collection method: clinical testing. Allele origin: germline.

PreventionGenetics, part of Exact Sciences
Classification: Likely benign for CDHR1-related condition. Last evaluated: 2020-07-29. Review status: no assertion criteria provided. Collection method: clinical testing. Allele origin: germline. Not counted in ClinVar's aggregate classification.
Comment: This variant is classified as likely benign based on ACMG/AMP sequence variant interpretation guidelines (Richards et al. 2015 PMID: 25741868, with internal and published modifications).

NM_033100.4(CDHR1):c.44G>T (p.Arg15Leu)

Gene: CDHR1 (cadherin related family member 1; plus strand). Cytogenetic location: 10q23.1.
Variant type: single nucleotide variant.
Coding change: c.44G>T on transcript NM_033100.4 (MANE Select); coding-DNA position 44, G replaced by T.
Protein change: p.Arg15Leu; replaces arginine 15 with leucine.
Molecular consequence: missense variant.
Genome position (GRCh38, 1-based): chr10:84,194,804, G>T. VCF-style: chr10-84194804-G-T. GRCh37 (hg19) VCF-style: chr10-85954560-G-T.
Other names: c.44G>T, p.Arg15Leu (NM_001171971.3); short protein forms R15L.
Identifiers: ClinVar variation 880499 (VCV000880499.15), dbSNP rs74903725, ClinGen allele CA5579379.
Genomic context (GRCh38, chr10:84,194,804, plus strand): 5'-TCCGCGCCGGCGGAGACATGAGGCGCTGCCGGTGGGCCGCCCTGGCCCTGGGGCTGCTGC[G>T]CCTCTGCTTGGGTGAGTGGCCGCTGGGCCGCGCTGGCCGCGTGGATGGCGAGGGAGATGG-3'
Protein context (NP_149091.1, residues 5-25): RWAALALGLL[Arg15Leu]LCLAQANFAP